The following is an entry in ClinVar:

NM_001163435.3(TBCK):c.227G>A (p.Arg76His)

Gene: TBCK (TBC1 domain containing kinase; minus strand). Cytogenetic location: 4q24.
Variant type: single nucleotide variant.
Coding change: c.227G>A on transcript NM_001163435.3 (MANE Select); coding-DNA position 227, G replaced by A.
Protein change: p.Arg76His; replaces arginine 76 with histidine.
Molecular consequence: missense variant. On other transcripts: 5 prime UTR variant (1).
Genome position (GRCh38, 1-based): chr4:106,295,133, C>T on the plus strand (G>A on the coding strand, the complement: TBCK is on the minus strand). VCF-style: chr4-106295133-C-T. GRCh37 (hg19) VCF-style: chr4-107216290-C-T.
Other names: c.227G>A, p.Arg76His (NM_001163436.4, NM_001163437.3, NM_033115.5); c.-391G>A (NM_001290768.2); c.227G>A (NM_001163435.1); short protein forms R76H.
Identifiers: ClinVar variation 1445478 (VCV001445478.4), dbSNP rs528353733, ClinGen allele CA3035493.

ClinVar aggregate classification (germline): Uncertain significance. Review status: criteria provided, multiple submitters, no conflicts (2 of 4 stars). 2 submissions from 2 submitters: Uncertain significance (2). Last evaluated 2024-02-12.

Conditions:
Inborn genetic diseases. Identifiers: MedGen C0950123, MeSH D030342.

Allele frequency attached by ClinVar (database versions not stated): gnomAD 0.00004 and 0.00005; gnomAD exomes 0.00004 and 0.00007; TOPMed 0.00005; ExAC 0.00008; 1000 Genomes Project 30x 0.00016; 1000 Genomes Project 0.00020.
gnomAD v4.1: 70 of 1,613,406 alleles (0.0043%); highest among the groups gnomAD compares: South Asian, 0.035%; no homozygotes.

Submissions (2):

Ambry Genetics
Classification: Uncertain significance for Inborn genetic diseases. Last evaluated: 2024-02-12. Review status: criteria provided, single submitter. Criteria: Ambry Variant Classification Scheme 2023. Collection method: clinical testing. Allele origin: germline.
Comment: The c.227G>A (p.R76H) alteration is located in exon 3 (coding exon 2) of the TBCK gene. This alteration results from a G to A substitution at nucleotide position 227, causing the arginine (R) at amino acid position 76 to be replaced by a histidine (H). The altered amino acid is not conserved throughout evolution:_x000D_ The p.R76 amino acid is not conserved in available vertebrate species. Based on insufficient or conflicting evidence, the clinical significance of this alteration remains unclear.

Labcorp Genetics (formerly Invitae), Labcorp
Classification: Uncertain significance. Last evaluated: 2022-07-26. Review status: criteria provided, single submitter. Criteria: Invitae Variant Classification Sherloc (09022015). Collection method: clinical testing. Allele origin: germline.
Comment: This sequence change replaces arginine, which is basic and polar, with histidine, which is basic and polar, at codon 76 of the TBCK protein (p.Arg76His). This variant is present in population databases (rs528353733, gnomAD 0.04%). This variant has not been reported in the literature in individuals affected with TBCK-related conditions. ClinVar contains an entry for this variant (Variation ID: 1445478). Algorithms developed to predict the effect of missense changes on protein structure and function (SIFT, PolyPhen-2, Align-GVGD) all suggest that this variant is likely to be tolerated. In summary, the available evidence is currently insufficient to determine the role of this variant in disease. Therefore, it has been classified as a Variant of Uncertain Significance.